The following is an entry in ClinVar:

ClinVar aggregate classification (germline): Pathogenic (1 of 4 stars; one submission).

Conditions:
Spastic paraplegia. Identifiers: MedGen C0037772, HP:0001258.

Allele frequency attached by ClinVar (database versions not stated): gnomAD exomes below 0.00001; TOPMed below 0.00001.

Submission:

Labcorp Genetics (formerly Invitae), Labcorp
Classification: Pathogenic for Spastic paraplegia. Last evaluated: 2026-01-07. Review status: criteria provided, single submitter. Criteria: Invitae Variant Classification Sherloc (09022015). Collection method: clinical testing. Allele origin: germline.
Comment: This sequence change creates a premature translational stop signal (p.Leu84Phefs*7) in the CYP7B1 gene. It is expected to result in an absent or disrupted protein product. Loss-of-function variants in CYP7B1 are known to be pathogenic (PMID: 9802883, 19363635, 19439420, 21541746, 21567895, 28039895). This variant is present in population databases (no rsID available, gnomAD 0.0009%). This premature translational stop signal has been observed in individual(s) with spastic paraplegia (PMID: 24519355, 27260292). ClinVar contains an entry for this variant (Variation ID: 2735180). For these reasons, this variant has been classified as Pathogenic.

Literature cited by the submitters: PubMed 9802883; PubMed 19363635; PubMed 19439420; PubMed 21541746; PubMed 21567895; PubMed 28039895; PubMed 24519355; PubMed 27260292.

NM_004820.5(CYP7B1):c.250del (p.Leu84fs)

Gene: CYP7B1 (cytochrome P450 family 7 subfamily B member 1; minus strand). Cytogenetic location: 8q12.3.
Variant type: Deletion.
Coding change: c.250del on transcript NM_004820.5 (MANE Select); coding-DNA position 250, one base deleted (C; older notation c.250delC).
Protein change: p.Leu84fs; shifts the reading frame from leucine 84.
Molecular consequence: frameshift variant.
Genome position (GRCh38, 1-based): chr8:64,624,412, G deleted on the plus strand (C on the coding strand, the reverse complement: CYP7B1 is on the minus strand). VCF-style (leftmost placement, unchanged base first): chr8-64624411-AG-A. GRCh37 (hg19) VCF-style: chr8-65536968-AG-A.
Other names: c.250del, p.Leu84fs (NM_001324112.2); short protein forms L84fs.
Identifiers: ClinVar variation 2735180 (VCV002735180.3), dbSNP rs1218240557, ClinGen allele CA582409094.